The following is an entry in ClinVar:

NM_001082486.2(ACD):c.1040del (p.Ser347fs)

Gene: ACD (ACD shelterin complex subunit and telomerase recruitment factor; minus strand). Cytogenetic location: 16q22.1.
Variant type: Deletion.
Coding change: c.1040del on transcript NM_001082486.2 (MANE Select); coding-DNA position 1040, one base deleted (G; older notation c.1040delG).
Protein change: p.Ser347fs; shifts the reading frame from serine 347.
Molecular consequence: frameshift variant.
Genome position (GRCh38, 1-based): chr16:67,658,152, C deleted on the plus strand (G on the coding strand, the reverse complement: ACD is on the minus strand). VCF-style (leftmost placement, unchanged base first): chr16-67658151-AC-A. GRCh37 (hg19) VCF-style: chr16-67692054-AC-A.
Other names: c.953delG, p.Ser318Ilefs (NM_001410884.1); c.1031del, p.Ser344fs (NM_022914.3); short protein forms S344fs, S347fs.
Identifiers: ClinVar variation 2421290 (VCV002421290.6), dbSNP rs1226080408, ClinGen allele CA723055906.

ClinVar aggregate classification (germline): Uncertain significance (1 of 4 stars; one submission).

Conditions:
Dyskeratosis congenita, autosomal dominant 6 (DKCA6). Identifiers: Orphanet 3322, MedGen C4225284, MONDO:0014690, OMIM 616553.

Allele frequency attached by ClinVar (database versions not stated): TOPMed 0.00002.

Submission:

Labcorp Genetics (formerly Invitae), Labcorp
Classification: Uncertain significance for Dyskeratosis congenita, autosomal dominant 6. Last evaluated: 2022-09-24. Review status: criteria provided, single submitter. Criteria: Invitae Variant Classification Sherloc (09022015). Collection method: clinical testing. Allele origin: germline.
Comment: In summary, the available evidence is currently insufficient to determine the role of this variant in disease. Therefore, it has been classified as a Variant of Uncertain Significance. Algorithms developed to predict the effect of sequence changes on RNA splicing suggest that this variant may create or strengthen a splice site. This variant has not been reported in the literature in individuals affected with ACD-related conditions. This variant is not present in population databases (gnomAD no frequency). This sequence change creates a premature translational stop signal (p.Ser433Ilefs*16) in the ACD gene. It is expected to result in an absent or disrupted protein product. However, the current clinical and genetic evidence is not sufficient to establish whether loss-of-function variants in ACD cause disease.